The following is an entry in ClinVar:

NM_000521.4(HEXB):c.277del (p.Leu93fs)

Gene: HEXB (hexosaminidase subunit beta; plus strand). Cytogenetic location: 5q13.3.
Variant type: Deletion.
Coding change: c.277del on transcript NM_000521.4 (MANE Select); coding-DNA position 277, one base deleted (C; older notation c.277delC).
Protein change: p.Leu93fs; shifts the reading frame from leucine 93.
Molecular consequence: frameshift variant. On other transcripts: intron variant (1).
Genome position (GRCh38, 1-based): chr5:74,685,537, C deleted; the last of 3 consecutive C bases (chr5:74,685,535-74,685,537); deleting any one gives the same sequence. VCF-style (leftmost placement, unchanged base first): chr5-74685534-AC-A. GRCh37 (hg19) VCF-style: chr5-73981359-AC-A.
Other names: c.-376-3791del (NM_001292004.2); short protein forms L93fs.
Identifiers: ClinVar variation 1724572 (VCV001724572.2), dbSNP rs2478687880, ClinGen allele CA2580073413.
Genomic context (GRCh38, chr5:74,685,534, plus strand): 5'-CTCGCCCCGGAGAACTTCTACATCAGCCACAGCCCCAATTCCACGGCGGGCCCCTCCTGC[AC>A]CCTGCTGGAGGAAGCGTTTCGACGGTGAGCGCTCCCGGCCCGGCCGGGAGTTGTCCTGGG-3'

ClinVar aggregate classification (germline): Likely pathogenic (1 of 4 stars; one submission).

Conditions:
Sandhoff disease. Also called: GM2-GANGLIOSIDOSIS, TYPE II; HEXOSAMINIDASES A AND B DEFICIENCY; Beta-hexosaminidase-beta-subunit deficiency; GM2 gangliosidosis, type 2; Total hexosaminidase deficiency; Sandhoff-Jatzkewitz-Pilz disease. Identifiers: Orphanet 796, MedGen C0036161, MONDO:0010006, OMIM 268800.

Submission:

Myriad Genetics, Inc.
Classification: Likely pathogenic for Sandhoff disease. Last evaluated: 2021-11-15. Review status: criteria provided, single submitter. Criteria: Myriad Women's Health Autosomal Recessive and X-Linked Classification Criteria (2021). Collection method: clinical testing. Allele origin: unknown.
Comment: NM_000521.3(HEXB):c.277delC(L93Cfs*61) is expected to be pathogenic in the context of Sandhoff disease. This variant is predicted to lead to an abnormal or absent protein product due to the creation of a premature termination codon in HEXB, a gene where loss-of-function variants are known to be pathogenic. Please note: this variant was assessed in the context of healthy population screening.